The following is an entry in ClinVar:

NM_018026.4(PACS1):c.2425G>A (p.Val809Met)

Gene: PACS1 (phosphofurin acidic cluster sorting protein 1; plus strand). Cytogenetic location: 11q13.2.
Variant type: single nucleotide variant.
Coding change: c.2425G>A on transcript NM_018026.4 (MANE Select); coding-DNA position 2425, G replaced by A.
Protein change: p.Val809Met; replaces valine 809 with methionine.
Molecular consequence: missense variant.
Genome position (GRCh38, 1-based): chr11:66,239,273, G>A. VCF-style: chr11-66239273-G-A. GRCh37 (hg19) VCF-style: chr11-66006744-G-A.
Other names: short protein forms V809M.
Identifiers: ClinVar variation 1936688 (VCV001936688.6), dbSNP rs369934909, ClinGen allele CA6116873.
Genomic context (GRCh38, chr11:66,239,273, plus strand): 5'-AGCCGAGACGCCACGGCCACCCCTCCCTCCTCCCCATCTATGAGCAGCGCCCTGGCCATC[G>A]TGGGGTAAGGCTCCTGCCCGTACCTGTCCTGCCATGCCCTCCATCAGGCCCACCCGGCTG-3'
Protein context (NP_060496.2, residues 799-819): SPSMSSALAI[Val809Met]GSPNSPYGDV

ClinVar aggregate classification (germline): Conflicting classifications of pathogenicity. Review status: criteria provided, conflicting classifications (1 of 4 stars). 2 submissions from 2 submitters: Uncertain significance (1); Likely benign (1). Last evaluated 2024-05-14.

Conditions:
Schuurs-Hoeijmakers syndrome. Also called: PACS1-Related Neurodevelopmental Disorder. Identifiers: Orphanet 329224, MedGen C3554343, MONDO:0014006, OMIM 615009.

Allele frequency attached by ClinVar (database versions not stated): ExAC 0.00001; gnomAD 0.00001; gnomAD exomes 0.00001; TOPMed 0.00001; ESP Exome Variant Server 0.00008.
gnomAD v4.1: 10 of 1,610,974 alleles (0.00062%); highest among the groups gnomAD compares: South Asian, 0.0033%; no homozygotes.

Submissions (2):

Blueprint Genetics
Classification: Likely benign. Last evaluated: 2024-05-14. Review status: criteria provided, single submitter. Criteria: ACMG Guidelines, 2015. Collection method: clinical testing. Allele origin: germline.

Labcorp Genetics (formerly Invitae), Labcorp
Classification: Uncertain significance for Schuurs-Hoeijmakers syndrome. Last evaluated: 2023-03-02. Review status: criteria provided, single submitter. Criteria: Invitae Variant Classification Sherloc (09022015). Collection method: clinical testing. Allele origin: germline.
Comment: In summary, the available evidence is currently insufficient to determine the role of this variant in disease. Therefore, it has been classified as a Variant of Uncertain Significance. Algorithms developed to predict the effect of missense changes on protein structure and function output the following: SIFT: "Not Available"; PolyPhen-2: "Benign"; Align-GVGD: "Not Available". The methionine amino acid residue is found in multiple mammalian species, which suggests that this missense change does not adversely affect protein function. ClinVar contains an entry for this variant (Variation ID: 1936688). This variant has not been reported in the literature in individuals affected with PACS1-related conditions. This variant is present in population databases (rs369934909, gnomAD 0.007%). This sequence change replaces valine, which is neutral and non-polar, with methionine, which is neutral and non-polar, at codon 809 of the PACS1 protein (p.Val809Met).